The following is an entry in ClinVar:

ClinVar aggregate classification (germline): Benign/Likely benign. Review status: criteria provided, multiple submitters, no conflicts (2 of 4 stars). 10 submissions from 9 submitters: Benign (6); Likely benign (4). Last evaluated 2026-01-19.

Conditions:
Inborn genetic diseases. Identifiers: MedGen C0950123, MeSH D030342.
Neuronopathy, distal hereditary motor, type 7B. Also called: Distal Hereditary Motor Neuronopathy Type 7B (dHMN7B); HMN VIIB; LOWER MOTOR NEURON DISEASE, DYNACTIN TYPE; NEURONOPATHY, DISTAL HEREDITARY MOTOR, AUTOSOMAL DOMINANT 14; NEURONOPATHY, DISTAL HEREDITARY MOTOR, HARDING TYPE VIIB; NEUROPATHY, DISTAL HEREDITARY MOTOR, HARDING TYPE VIIB. Identifiers: Orphanet 139589, MedGen C1843315, MONDO:0011879, OMIM 607641.
Perry syndrome. Also called: PARKINSONISM WITH ALVEOLAR HYPOVENTILATION AND MENTAL DEPRESSION. Identifiers: Orphanet 178509, MedGen C1868594, MONDO:0008201, OMIM 168605.
Amyotrophic lateral sclerosis type 1 (ALS1). Also called: AMYOTROPHIC LATERAL SCLEROSIS 1, FAMILIAL. Identifiers: Orphanet 803, MedGen C1862939, MONDO:0007103, OMIM 105400.

Allele frequency attached by ClinVar (database versions not stated): 1000 Genomes Project 30x 0.00219; 1000 Genomes Project 0.00220; ESP Exome Variant Server 0.00285; TOPMed 0.00354.
gnomAD v4.1: 910 of 1,578,244 alleles (0.058%); highest among the groups gnomAD compares: African/African-American, 1.1%; 6 homozygotes.

Submissions (10):

Labcorp Genetics (formerly Invitae), Labcorp
Classification: Benign for Amyotrophic lateral sclerosis type 1; Neuronopathy, distal hereditary motor, type 7B; Perry syndrome. Last evaluated: 2026-01-19. Review status: criteria provided, single submitter. Criteria: Invitae Variant Classification Sherloc (09022015). Collection method: clinical testing. Allele origin: germline.

CeGaT Center for Human Genetics Tuebingen
Classification: Likely benign. Last evaluated: 2025-04-01. Review status: criteria provided, single submitter. Criteria: CeGaT Center For Human Genetics Tuebingen Variant Classification Criteria Version 2. Collection method: clinical testing. Allele origin: germline. Affected: yes. Observed: 1 variant allele.
Comment: DCTN1: BP4, BP7, BS1

Blueprint Genetics
Classification: Likely benign. Last evaluated: 2024-11-13. Review status: criteria provided, single submitter. Criteria: ACMG Guidelines, 2015. Collection method: clinical testing. Allele origin: germline.

Mayo Clinic Laboratories, Mayo Clinic
Classification: Benign. Last evaluated: 2024-08-14. Review status: criteria provided, single submitter. Criteria: ACMG Guidelines, 2015. Collection method: clinical testing. Allele origin: germline. Observed: 4 variant alleles.
Comment: BA1, BP4, BP7

ARUP Laboratories, Molecular Genetics and Genomics, ARUP Laboratories
Classification: Benign. Last evaluated: 2021-11-19. Review status: criteria provided, single submitter. Criteria: ARUP Molecular Germline Variant Investigation Process 2021. Collection method: clinical testing. Allele origin: germline.

GeneDx
Classification: Likely benign. Last evaluated: 2021-04-20. Review status: criteria provided, single submitter. Criteria: GeneDx Variant Classification Process June 2021. Collection method: clinical testing. Allele origin: germline. Affected: yes.

Ambry Genetics
Classification: Likely benign for Inborn genetic diseases. Last evaluated: 2019-07-11. Review status: criteria provided, single submitter. Criteria: Ambry Variant Classification Scheme 2023. Collection method: clinical testing. Allele origin: germline.

Athena Diagnostics
Classification: Benign. Last evaluated: 2018-08-03. Review status: criteria provided, single submitter. Criteria: Athena Diagnostics Criteria. Collection method: clinical testing. Allele origin: germline.

Illumina Laboratory Services, Illumina
Classification: Benign for Perry syndrome. Last evaluated: 2018-01-13. Review status: criteria provided, single submitter. Criteria: ICSL Variant Classification Criteria 13 December 2019. Collection method: clinical testing. Allele origin: germline.
Comment: This variant was observed in the ICSL laboratory as part of a predisposition screen in an ostensibly healthy population. It had not been previously curated by ICSL or reported in the Human Gene Mutation Database (HGMD: prior to June 1st, 2018), and was therefore a candidate for classification through an automated scoring system. Utilizing variant allele frequency, disease prevalence and penetrance estimates, and inheritance mode, an automated score was calculated to assess if this variant is too frequent to cause the disease. Based on the score and internal cut-off values, a variant classified as benign is not then subjected to further curation. The score for this variant resulted in a classification of benign for this disease.

Illumina Laboratory Services, Illumina
Classification: Benign for Neuronopathy, distal hereditary motor, type 7B. Last evaluated: 2018-01-13. Review status: criteria provided, single submitter. Criteria: ICSL Variant Classification Criteria 13 December 2019. Collection method: clinical testing. Allele origin: germline.
Comment: the same text as in the submission from Illumina Laboratory Services, Illumina above.

NM_004082.5(DCTN1):c.627G>T (p.Pro209=)

Gene: DCTN1 (dynactin subunit 1; minus strand). Cytogenetic location: 2p13.1.
Variant type: single nucleotide variant.
Coding change: c.627G>T on transcript NM_004082.5 (MANE Select); coding-DNA position 627, G replaced by T.
Protein change: p.Pro209=; no amino-acid change (proline 209 retained).
Molecular consequence: synonymous variant. On other transcripts: non-coding transcript variant (1).
Genome position (GRCh38, 1-based): chr2:74,371,555, C>A on the plus strand (G>T on the coding strand, the complement: DCTN1 is on the minus strand). VCF-style: chr2-74371555-C-A. GRCh37 (hg19) VCF-style: chr2-74598682-C-A.
Other names: p.Pro209=; c.567G>T, p.Pro189= (NM_001135040.3); c.225G>T, p.Pro75= (NM_001135041.3, NM_023019.4); c.516G>T, p.Pro172= (NM_001190836.2); c.606G>T, p.Pro202= (NM_001190837.2); c.576G>T, p.Pro192= (NM_001378991.1); c.558G>T, p.Pro186= (NM_001378992.1).
Identifiers: ClinVar variation 585768 (VCV000585768.37), dbSNP rs147673066, ClinGen allele CA1722363.
Genomic context (GRCh38, chr2:74,371,555, plus strand): 5'-CTGGGTGTCTTGATTCTCCTTTACCCCTACCCCAGGCCTTACCTTGGATGGGGAAGGAAG[C>A]GGGGGGACTGCTCCAGGAGAGGTGAGGACCGGCGTGGGGATGATGGGTGCTGCCAGCGGA-3'
Protein context (NP_004073.2, residues 199-219): PVLTSPGAVP[Pro209=]LPSPSKEEEG